The following is an entry in ClinVar:

ClinVar aggregate classification (germline): Pathogenic/Likely pathogenic. Review status: criteria provided, multiple submitters, no conflicts (2 of 4 stars). 4 submissions from 4 submitters: Pathogenic (1); Likely pathogenic (2). 1 of the submissions does not count toward it. Last evaluated 2026-01-12.

Conditions:
Fanconi anemia complementation group D2. Also called: FANCD2-Related Fanconi Anemia; FANCONI PANCYTOPENIA, TYPE 4; FANCONI ANEMIA, COMPLEMENTATION GROUP D. Identifiers: Orphanet 84, MedGen C3160738, MONDO:0009214, OMIM 227646.
FANCD2-related disorder. Also called: FANCD2-related condition.
Fanconi anemia (FA). Also called: Fanconi's anemia. Identifiers: Orphanet 84, MedGen C0015625, MeSH D005199, MONDO:0019391.

Allele frequency attached by ClinVar (database versions not stated): TOPMed 0.00001; ExAC 0.00002; gnomAD 0.00002.
gnomAD v4.1: 27 of 1,613,498 alleles (0.0017%); highest among the groups gnomAD compares: African/African-American, 0.0027%; no homozygotes.

Submissions (4):

Labcorp Genetics (formerly Invitae), Labcorp
Classification: Pathogenic for Fanconi anemia. Last evaluated: 2026-01-12. Review status: criteria provided, single submitter. Criteria: Invitae Variant Classification Sherloc (09022015). Collection method: clinical testing. Allele origin: germline.
Comment: This sequence change creates a premature translational stop signal (p.Arg926*) in the FANCD2 gene. It is expected to result in an absent or disrupted protein product. Loss-of-function variants in FANCD2 are known to be pathogenic (PMID: 17436244). This variant is present in population databases (rs748180733, gnomAD 0.01%). This premature translational stop signal has been observed in individual(s) with Fanconi anemia (PMID: 17436244). ClinVar contains an entry for this variant (Variation ID: 2675482). Algorithms developed to predict the effect of sequence changes on RNA splicing suggest that this variant may disrupt the consensus splice site. For these reasons, this variant has been classified as Pathogenic.

Baylor Genetics
Classification: Likely pathogenic for Fanconi anemia complementation group D2. Last evaluated: 2024-03-14. Review status: criteria provided, single submitter. Criteria: ACMG Guidelines, 2015. Collection method: clinical testing. Allele origin: unknown.

Fulgent Genetics
Classification: Likely pathogenic for Fanconi anemia complementation group D2. Last evaluated: 2024-03-13. Review status: criteria provided, single submitter. Criteria: ACMG Guidelines, 2015. Collection method: clinical testing. Allele origin: germline.

PreventionGenetics, part of Exact Sciences
Classification: Likely pathogenic for FANCD2-related condition. Last evaluated: 2024-01-08. Review status: no assertion criteria provided. Collection method: clinical testing. Allele origin: germline. Not counted in ClinVar's aggregate classification.
Comment: The FANCD2 c.2776C>T variant is predicted to result in premature protein termination (p.Arg926*). This variant has been reported in individuals with bladder urothelial carcinoma and bile duct cancer (Huang et al. 2018. PubMed ID: 29625052. Table S2B; Bertelsen et al. 2019. PubMed ID: 31263571. Table S4). This variant is reported in 0.012% of alleles in individuals of African descent in gnomAD. Nonsense variants in FANCD2 are expected to be pathogenic. This variant is interpreted as likely pathogenic.

Literature cited by the submitters: PubMed 17436244 (cited by Labcorp Genetics (formerly Invitae), Labcorp).

NM_001018115.3(FANCD2):c.2776C>T (p.Arg926Ter)

Genes: FANCD2 (FA complementation group D2; plus strand), LOC107303338 (3p25 FANCD2 Alu-mediated recombination region; plus strand). Cytogenetic location: 3p25.3.
Variant type: single nucleotide variant.
Coding change: c.2776C>T on transcript NM_001018115.3 (MANE Select); coding-DNA position 2776, C replaced by T.
Protein change: p.Arg926Ter; replaces arginine 926 with a stop codon.
Molecular consequence: nonsense.
Genome position (GRCh38, 1-based): chr3:10,074,590, C>T. VCF-style: chr3-10074590-C-T. GRCh37 (hg19) VCF-style: chr3-10116274-C-T.
Other names: c.2776C>T (NM_033084.4, NM_001018115.2); c.2776C>T, p.Arg926Ter (NM_001319984.2, NM_001374254.1, NM_033084.6); c.2665C>T, p.Arg889Ter (NM_001374253.1); short protein forms R889*, R926*.
Identifiers: ClinVar variation 2675482 (VCV002675482.8), dbSNP rs748180733, ClinGen allele CA2250185.